The following is an entry in ClinVar:

NM_003072.5(SMARCA4):c.4432G>A (p.Gly1478Arg)

Gene: SMARCA4 (SWI/SNF related BAF chromatin remodeling complex subunit ATPase 4; plus strand). Cytogenetic location: 19p13.2.
Variant type: single nucleotide variant.
Coding change: c.4432G>A on transcript NM_003072.5 (MANE Select); coding-DNA position 4432, G replaced by A.
Protein change: p.Gly1478Arg; replaces glycine 1478 with arginine.
Molecular consequence: missense variant. On other transcripts: non-coding transcript variant (1).
Genome position (GRCh38, 1-based): chr19:11,058,262, G>A. VCF-style: chr19-11058262-G-A. GRCh37 (hg19) VCF-style: chr19-11168938-G-A.
Other names: c.4432G>A, p.Gly1478Arg (NM_001128844.3); c.4342G>A, p.Gly1448Arg (NM_001128845.2); c.4339G>A, p.Gly1447Arg (NM_001128846.2); c.4333G>A, p.Gly1445Arg (NM_001128847.4, NM_001374457.1); c.4330G>A, p.Gly1444Arg (NM_001128848.2); c.4528G>A, p.Gly1510Arg (NM_001128849.3, NM_001387283.1); c.4429G>A, p.Gly1477Arg (NM_001411150.1); short protein forms G1448R, G1510R, G1445R, G1477R, G1444R, G1447R, G1478R.
Identifiers: ClinVar variation 1741243 (VCV001741243.3), dbSNP rs2093999657, ClinGen allele CA404077205.

ClinVar aggregate classification (germline): Uncertain significance. Review status: criteria provided, multiple submitters, no conflicts (2 of 4 stars). 2 submissions from 2 submitters: Uncertain significance (2). Last evaluated 2025-05-26.

Conditions:
Hereditary cancer-predisposing syndrome. Also called: Hereditary Cancer Syndrome; Hereditary neoplastic syndrome; Neoplastic Syndromes, Hereditary; Tumor predisposition. Identifiers: Orphanet 140162, MedGen C0027672, MeSH D009386, MONDO:0015356.
Rhabdoid tumor predisposition syndrome 2 (RTPS2). Identifiers: Orphanet 231108, Orphanet 69077, MedGen C2750074, MONDO:0013224, OMIM 613325.

Submissions (2):

Labcorp Genetics (formerly Invitae), Labcorp
Classification: Uncertain significance for Rhabdoid tumor predisposition syndrome 2. Last evaluated: 2025-05-26. Review status: criteria provided, single submitter. Criteria: Invitae Variant Classification Sherloc (09022015). Collection method: clinical testing. Allele origin: germline.
Comment: This sequence change replaces glycine, which is neutral and non-polar, with arginine, which is basic and polar, at codon 1510 of the SMARCA4 protein (p.Gly1510Arg). This variant is not present in population databases (gnomAD no frequency). This variant has not been reported in the literature in individuals affected with SMARCA4-related conditions. ClinVar contains an entry for this variant (Variation ID: 1741243). Invitae Evidence Modeling of protein sequence and biophysical properties (such as structural, functional, and spatial information, amino acid conservation, physicochemical variation, residue mobility, and thermodynamic stability) indicates that this missense variant is expected to disrupt SMARCA4 protein function with a positive predictive value of 95%. In summary, the available evidence is currently insufficient to determine the role of this variant in disease. Therefore, it has been classified as a Variant of Uncertain Significance.

Ambry Genetics
Classification: Uncertain significance for Hereditary cancer-predisposing syndrome. Last evaluated: 2017-09-28. Review status: criteria provided, single submitter. Criteria: Ambry Variant Classification Scheme 2023. Collection method: clinical testing. Allele origin: germline.
Comment: The p.G1510R variant (also known as c.4528G>A), located in coding exon 31 of the SMARCA4 gene, results from a G to A substitution at nucleotide position 4528. The glycine at codon 1510 is replaced by arginine, an amino acid with dissimilar properties. This amino acid position is highly conserved in available vertebrate species. In addition, the in silico prediction for this alteration is inconclusive. Since supporting evidence is limited at this time, the clinical significance of this alteration remains unclear.